The following is an entry in ClinVar:

ClinVar aggregate classification (germline): Uncertain significance (1 of 4 stars; one submission).

Conditions:
Kabuki syndrome. Also called: NIIKAWA-KUROKI SYNDROME; Kabuki make-up syndrome. Identifiers: Orphanet 2322, MedGen C0796004, MONDO:0016512.

gnomAD v4.1: 7 of 1,613,980 alleles (0.00043%); highest among the groups gnomAD compares: Non-Finnish European, 0.00059%; no homozygotes.

Submission:

Labcorp Genetics (formerly Invitae), Labcorp
Classification: Uncertain significance for Kabuki syndrome. Last evaluated: 2025-02-06. Review status: criteria provided, single submitter. Criteria: Invitae Variant Classification Sherloc (09022015). Collection method: clinical testing. Allele origin: germline.
Comment: This sequence change replaces threonine, which is neutral and polar, with isoleucine, which is neutral and non-polar, at codon 1195 of the KMT2D protein (p.Thr1195Ile). This variant is not present in population databases (gnomAD no frequency). This variant has not been reported in the literature in individuals affected with KMT2D-related conditions. Invitae Evidence Modeling of protein sequence and biophysical properties (such as structural, functional, and spatial information, amino acid conservation, physicochemical variation, residue mobility, and thermodynamic stability) indicates that this missense variant is not expected to disrupt KMT2D protein function with a negative predictive value of 95%. In summary, the available evidence is currently insufficient to determine the role of this variant in disease. Therefore, it has been classified as a Variant of Uncertain Significance.

NM_003482.4(KMT2D):c.3584C>T (p.Thr1195Ile)

Genes: KMT2D (lysine methyltransferase 2D; minus strand), LOC126861520 (CDK7 strongly-dependent group 2 enhancer GRCh37_chr12:49442744-49443943; plus strand). Cytogenetic location: 12q13.12.
Variant type: single nucleotide variant.
Coding change: c.3584C>T on transcript NM_003482.4 (MANE Select); coding-DNA position 3584, C replaced by T.
Protein change: p.Thr1195Ile; replaces threonine 1195 with isoleucine.
Molecular consequence: missense variant.
Genome position (GRCh38, 1-based): chr12:49,050,004, G>A on the plus strand (C>T on the coding strand, the complement: KMT2D is on the minus strand). VCF-style: chr12-49050004-G-A. GRCh37 (hg19) VCF-style: chr12-49443787-G-A.
Other names: short protein forms T1195I.
Identifiers: ClinVar variation 4705701 (VCV004705701.1).